The following is an entry in ClinVar:

NM_001303256.3(MORC2):c.1199A>G (p.Gln400Arg)

Gene: MORC2 (MORC family CW-type zinc finger 2; minus strand). Cytogenetic location: 22q12.2.
Variant type: single nucleotide variant.
Coding change: c.1199A>G on transcript NM_001303256.3 (MANE Select); coding-DNA position 1199, A replaced by G.
Protein change: p.Gln400Arg; replaces glutamine 400 with arginine.
Molecular consequence: missense variant.
Genome position (GRCh38, 1-based): chr22:30,938,080, T>C on the plus strand (A>G on the coding strand, the complement: MORC2 is on the minus strand). VCF-style: chr22-30938080-T-C. GRCh37 (hg19) VCF-style: chr22-31334067-T-C.
Other names: c.1199A>G, p.Gln400Arg (NM_001303257.2); c.1013A>G, p.Gln338Arg (NM_014941.3); short protein forms Q400R, Q338R.
Identifiers: ClinVar variation 1746661 (VCV001746661.2), dbSNP rs2517590725, ClinGen allele CA411239259.

ClinVar aggregate classification (germline): Uncertain significance (1 of 4 stars; one submission).

Conditions:
Inborn genetic diseases. Identifiers: MedGen C0950123, MeSH D030342.

Submission:

Ambry Genetics
Classification: Uncertain significance for Inborn genetic diseases. Last evaluated: 2020-06-16. Review status: criteria provided, single submitter. Criteria: Ambry Variant Classification Scheme 2023. Collection method: clinical testing. Allele origin: germline.
Comment: The p.Q400R variant (also known as c.1199A>G), located in coding exon 13 of the MORC2 gene, results from an A to G substitution at nucleotide position 1199. The glutamine at codon 400 is replaced by arginine, an amino acid with highly similar properties. This amino acid position is highly conserved in available vertebrate species. The MORC2 p.Q400R alteration, also known as p.Q338R (c.1013A>G) in isoform NM_014941.1, was found to co-segregate with disease in a Chinese family diagnosed with autosomal dominant CMT2. Affected individuals in this family presented with distal lower limb weakness that progressed to the upper limbs, proximal muscles and eventually involved sensory impairments (Zhao X et al. Brain, 2016 Oct;139:e56). In addition, the in silico prediction for this alteration is inconclusive. Since supporting evidence is limited at this time, the clinical significance of this alteration remains unclear.

Literature cited by the submitters: PubMed 27329773; PubMed 28771897.